The following is an entry in ClinVar:

NM_001197104.2(KMT2A):c.134C>G (p.Pro45Arg)

Gene: KMT2A (lysine methyltransferase 2A; plus strand). Cytogenetic location: 11q23.3.
Variant type: single nucleotide variant.
Coding change: c.134C>G on transcript NM_001197104.2 (MANE Select); coding-DNA position 134, C replaced by G.
Protein change: p.Pro45Arg; replaces proline 45 with arginine.
Molecular consequence: missense variant.
Genome position (GRCh38, 1-based): chr11:118,436,646, C>G. VCF-style: chr11-118436646-C-G. GRCh37 (hg19) VCF-style: chr11-118307361-C-G.
Other names: c.134C>G, p.Pro45Arg (NM_005933.4); short protein forms P45R.
Identifiers: ClinVar variation 1312769 (VCV001312769.7), dbSNP rs2134152876, ClinGen allele CA382797324.

ClinVar aggregate classification (germline): Uncertain significance. Review status: criteria provided, multiple submitters, no conflicts (2 of 4 stars). 3 submissions from 3 submitters: Uncertain significance (3). Last evaluated 2024-12-09.

Allele frequency attached by ClinVar (database versions not stated): gnomAD exomes below 0.00001.

Submissions (3):

Labcorp Genetics (formerly Invitae), Labcorp
Classification: Uncertain significance. Last evaluated: 2024-12-09. Review status: criteria provided, single submitter. Criteria: Invitae Variant Classification Sherloc (09022015). Collection method: clinical testing. Allele origin: germline.
Comment: This sequence change replaces proline, which is neutral and non-polar, with arginine, which is basic and polar, at codon 45 of the KMT2A protein (p.Pro45Arg). The frequency data for this variant in the population databases is considered unreliable, as metrics indicate insufficient coverage at this position in the gnomAD database. This variant has not been reported in the literature in individuals affected with KMT2A-related conditions. ClinVar contains an entry for this variant (Variation ID: 1312769). Invitae Evidence Modeling of protein sequence and biophysical properties (such as structural, functional, and spatial information, amino acid conservation, physicochemical variation, residue mobility, and thermodynamic stability) has been performed for this missense variant. However, the output from this modeling did not meet the statistical confidence thresholds required to predict the impact of this variant on KMT2A protein function. In summary, the available evidence is currently insufficient to determine the role of this variant in disease. Therefore, it has been classified as a Variant of Uncertain Significance.

Women's Health and Genetics/Laboratory Corporation of America, LabCorp
Classification: Uncertain significance. Last evaluated: 2022-04-28. Review status: criteria provided, single submitter. Criteria: LabCorp Variant Classification Summary - May 2015. Collection method: clinical testing. Allele origin: germline.
Comment: Variant summary: KMT2A c.134C>G (p.Pro45Arg) results in a non-conservative amino acid change in the encoded protein sequence. Four of five in-silico tools predict a benign effect of the variant on protein function. The variant was absent in 4836 control chromosomes. The available data on variant occurrences in the general population are insufficient to allow any conclusion about variant significance. To our knowledge, no occurrence of c.134C>G in individuals affected with Wiedemann-Steiner Syndrome and no experimental evidence demonstrating its impact on protein function have been reported. One clinical diagnostic laboratory has submitted clinical-significance assessments for this variant to ClinVar after 2014 without evidence for independent evaluation. One laboratory classified the variant as uncertain significance. Based on the evidence outlined above, the variant was classified as uncertain significance.

GeneDx
Classification: Uncertain significance. Last evaluated: 2020-06-25. Review status: criteria provided, single submitter. Criteria: GeneDx Variant Classification Process June 2021. Collection method: clinical testing. Allele origin: germline. Affected: yes.
Comment: Not observed in large population cohorts (Lek et al., 2016); In silico analysis supports that this missense variant does not alter protein structure/function; Has not been previously published as pathogenic or benign to our knowledge